The following is an entry in ClinVar:

NM_001130009.3(GEN1):c.1161_1164del (p.Arg387fs)

Gene: GEN1 (GEN1 structure-specific endonuclease; plus strand). Cytogenetic location: 2p24.2.
Variant type: Microsatellite.
Coding change: c.1161_1164del on transcript NM_001130009.3 (MANE Select); coding-DNA positions 1161 to 1164, 4 bases deleted (AAAG; older notation c.1161_1164delAAAG).
Protein change: p.Arg387fs; shifts the reading frame from arginine 387.
Molecular consequence: frameshift variant.
Genome position (GRCh38, 1-based): chr2:17,774,360-17,774,363, AAAG deleted; deleting any 4 consecutive bases within chr2:17,774,354-17,774,363 gives the same sequence; the c. name uses the placement nearest the transcript's 3' end. VCF-style (leftmost placement, unchanged base first): chr2-17774353-TAGAA-T. GRCh37 (hg19) VCF-style: chr2-17955620-TAGAA-T.
Other names: c.1161_1164del, p.Arg387fs (NM_182625.5); short protein forms R387fs.
Identifiers: ClinVar variation 954478 (VCV000954478.7), dbSNP rs754513633, ClinGen allele CA1540680.

ClinVar aggregate classification (germline): Uncertain significance (1 of 4 stars; one submission).

Submission:

Labcorp Genetics (formerly Invitae), Labcorp
Classification: Uncertain significance. Last evaluated: 2025-03-27. Review status: criteria provided, single submitter. Criteria: Invitae Variant Classification Sherloc (09022015). Collection method: clinical testing. Allele origin: germline.
Comment: This sequence change creates a premature translational stop signal (p.Arg387Serfs*29) in the GEN1 gene. It is expected to result in an absent or disrupted protein product. However, the current clinical and genetic evidence is not sufficient to establish whether loss-of-function variants in GEN1 cause disease. This variant is present in population databases (rs754513633, gnomAD 0.006%). This variant has not been reported in the literature in individuals affected with GEN1-related conditions. ClinVar contains an entry for this variant (Variation ID: 954478). In summary, the available evidence is currently insufficient to determine the role of this variant in disease. Therefore, it has been classified as a Variant of Uncertain Significance.